The following is an entry in ClinVar:

NM_022124.6(CDH23):c.2664C>T (p.Pro888=)

Gene: CDH23 (cadherin related 23; plus strand). Cytogenetic location: 10q22.1.
Variant type: single nucleotide variant.
Coding change: c.2664C>T on transcript NM_022124.6 (MANE Select); coding-DNA position 2664, C replaced by T.
Protein change: p.Pro888=; no amino-acid change (proline 888 retained).
Molecular consequence: synonymous variant.
Genome position (GRCh38, 1-based): chr10:71,702,625, C>T. VCF-style: chr10-71702625-C-T. GRCh37 (hg19) VCF-style: chr10-73462382-C-T.
Other names: c.2664C>T, p.Pro888= (NM_001171930.2, NM_001171931.2).
Identifiers: ClinVar variation 728091 (VCV000728091.10), dbSNP rs760919073, ClinGen allele CA5544293.

ClinVar aggregate classification (germline): Likely benign. Review status: criteria provided, single submitter (1 of 4 stars). 2 submissions from 2 submitters: Likely benign (1). 1 of the submissions does not count toward it. Last evaluated 2021-05-17.

Conditions:
CDH23-related disorder. Also called: CDH23-related condition; CDH23-related disorders.

Allele frequency attached by ClinVar (database versions not stated): TOPMed below 0.00001.

Submissions (2):

Labcorp Genetics (formerly Invitae), Labcorp
Classification: Likely benign. Last evaluated: 2021-05-17. Review status: criteria provided, single submitter. Criteria: Invitae Variant Classification Sherloc (09022015). Collection method: clinical testing. Allele origin: germline.

PreventionGenetics, part of Exact Sciences
Classification: Likely benign for CDH23-related condition. Last evaluated: 2020-12-09. Review status: no assertion criteria provided. Collection method: clinical testing. Allele origin: germline. Not counted in ClinVar's aggregate classification.
Comment: This variant is classified as likely benign based on ACMG/AMP sequence variant interpretation guidelines (Richards et al. 2015 PMID: 25741868, with internal and published modifications).